The following is an entry in ClinVar:

NM_020821.3(VPS13C):c.243G>A (p.Ala81=)

Gene: VPS13C (vacuolar protein sorting 13 homolog C; minus strand). Cytogenetic location: 15q22.2.
Variant type: single nucleotide variant.
Coding change: c.243G>A on transcript NM_020821.3 (MANE Select); coding-DNA position 243, G replaced by A.
Protein change: p.Ala81=; no amino-acid change (alanine 81 retained).
Molecular consequence: synonymous variant.
Genome position (GRCh38, 1-based): chr15:62,034,997, C>T on the plus strand (G>A on the coding strand, the complement: VPS13C is on the minus strand). VCF-style: chr15-62034997-C-T. GRCh37 (hg19) VCF-style: chr15-62327196-C-T.
Other names: c.243G>A (NM_020821.2); c.243G>A, p.Ala81= (NM_001018088.3, NM_017684.5, NM_018080.4).
Identifiers: ClinVar variation 1654297 (VCV001654297.10), dbSNP rs142048076, ClinGen allele CA7597624.
Genomic context (GRCh38, chr15:62,034,997, plus strand): 5'-TATAACCTAAAATAACATACTTGCTCCAGGGACAACAAGCAGGTATAATCCTTCCAGGGT[C>T]GCAACAACTGCTTCTCCATAAAGGTTCTTCCAAGGAATCTTCAAAGTTAATTTATCTAAG-3'
Protein context (NP_065872.1, residues 71-91): WKNLYGEAVV[Ala81=]TLEGLYLLVV

ClinVar aggregate classification (germline): Benign/Likely benign. Review status: criteria provided, multiple submitters, no conflicts (2 of 4 stars). 3 submissions from 3 submitters: Benign (1); Likely benign (2). Last evaluated 2026-04-13.

Conditions:
VPS13C-related disorder. Also called: VPS13C-related condition.

Allele frequency attached by ClinVar (database versions not stated): gnomAD exomes 0.00034; ExAC 0.00046; gnomAD 0.00099 and 0.00107; TOPMed 0.00105; ESP Exome Variant Server 0.00154; 1000 Genomes Project 0.00200; 1000 Genomes Project 30x 0.00219.
gnomAD v4.1: 290 of 1,603,176 alleles (0.018%); highest among the groups gnomAD compares: African/African-American, 0.36%; 1 homozygote.

Submissions (3):

PreventionGenetics, part of Exact Sciences
Classification: Likely benign for VPS13C-related condition. Last evaluated: 2026-04-13. Review status: criteria provided, single submitter. Criteria: ACMG Guidelines, 2015. Collection method: clinical testing. Allele origin: germline.
Comment: This variant is classified as likely benign based on ACMG/AMP sequence variant interpretation guidelines (Richards et al. 2015 PMID: 25741868, with internal and published modifications).

Labcorp Genetics (formerly Invitae), Labcorp
Classification: Benign. Last evaluated: 2025-12-22. Review status: criteria provided, single submitter. Criteria: Invitae Variant Classification Sherloc (09022015). Collection method: clinical testing. Allele origin: germline.

Blueprint Genetics
Classification: Likely benign. Last evaluated: 2022-03-14. Review status: criteria provided, single submitter. Criteria: ACMG Guidelines, 2015. Collection method: clinical testing. Allele origin: germline.